The following is an entry in ClinVar:

ClinVar aggregate classification (germline): Uncertain significance. Review status: criteria provided, multiple submitters, no conflicts (2 of 4 stars). 3 submissions from 3 submitters: Uncertain significance (3). Last evaluated 2025-07-31.

Conditions:
Lipodystrophy, partial, acquired, susceptibility to (APLD). Also called: APLD, SUSCEPTIBILITY TO. Identifiers: MedGen C3887501, MONDO:0100476, OMIM 608709.
Progressive myoclonic epilepsy type 9. Identifiers: Orphanet 457265, MedGen C4225289, MONDO:0014685, OMIM 616540.

Allele frequency attached by ClinVar (database versions not stated): ExAC 0.00001; gnomAD 0.00005 and 0.00006; TOPMed 0.00007.

Submissions (3):

Ambry Genetics
Classification: Uncertain significance. Last evaluated: 2025-07-31. Review status: criteria provided, single submitter. Criteria: Ambry Variant Classification Scheme 2023. Collection method: clinical testing. Allele origin: germline.

Labcorp Genetics (formerly Invitae), Labcorp
Classification: Uncertain significance for Progressive myoclonic epilepsy type 9; Lipodystrophy, partial, acquired, susceptibility to. Last evaluated: 2024-05-14. Review status: criteria provided, single submitter. Criteria: Invitae Variant Classification Sherloc (09022015). Collection method: clinical testing. Allele origin: germline.
Comment: This sequence change replaces arginine, which is basic and polar, with tryptophan, which is neutral and slightly polar, at codon 248 of the LMNB2 protein (p.Arg248Trp). The frequency data for this variant in the population databases is considered unreliable, as metrics indicate poor data quality at this position in the gnomAD database. This variant has not been reported in the literature in individuals affected with LMNB2-related conditions. ClinVar contains an entry for this variant (Variation ID: 576218). Advanced modeling of protein sequence and biophysical properties (such as structural, functional, and spatial information, amino acid conservation, physicochemical variation, residue mobility, and thermodynamic stability) performed at Invitae indicates that this missense variant is not expected to disrupt LMNB2 protein function with a negative predictive value of 80%. In summary, the available evidence is currently insufficient to determine the role of this variant in disease. Therefore, it has been classified as a Variant of Uncertain Significance.

New York Genome Center
Classification: Uncertain significance for Progressive myoclonic epilepsy type 9. Last evaluated: 2021-07-09. Review status: criteria provided, single submitter. Criteria: NYGC Assertion Criteria 2020. Collection method: clinical testing. Allele origin: inherited. Observed: 1 heterozygote. Study: CSER-NYCKidSeq.

NM_032737.4(LMNB2):c.742C>T (p.Arg248Trp)

Gene: LMNB2 (lamin B2; minus strand). Cytogenetic location: 19p13.3.
Variant type: single nucleotide variant.
Coding change: c.742C>T on transcript NM_032737.4 (MANE Select); coding-DNA position 742, C replaced by T.
Protein change: p.Arg248Trp; replaces arginine 248 with tryptophan.
Molecular consequence: missense variant.
Genome position (GRCh38, 1-based): chr19:2,435,114, G>A on the plus strand (C>T on the coding strand, the complement: LMNB2 is on the minus strand). VCF-style: chr19-2435114-G-A. GRCh37 (hg19) VCF-style: chr19-2435112-G-A.
Other names: c.682C>T (NM_032737.2); short protein forms R248W.
Identifiers: ClinVar variation 576218 (VCV000576218.12), dbSNP rs767801199, ClinGen allele CA9067771.